The following is an entry in ClinVar:

ClinVar aggregate classification (germline): Likely benign. Review status: criteria provided, multiple submitters, no conflicts (2 of 4 stars). 2 submissions from 2 submitters: Likely benign (2). Last evaluated 2024-01-24.

Conditions:
Malignant hyperthermia, susceptibility to, 1 (MHS1). Also called: Malignant hyperthermia suceptibility 1; Anesthesia related hyperthermia; Malignant hyperpyrexia; Fulminating hyperpyrexia; Pharmacogenic myopathy; RYR1-Related Malignant Hyperthermia Susceptibility. Identifiers: Orphanet 423, MedGen C2930980, MONDO:0007783, OMIM 145600.
RYR1-related disorder. Also called: RYR1-related disorders; RYR1-related condition. Identifiers: MedGen CN239331.

gnomAD v4.1: 6 of 1,613,452 alleles (0.00037%); highest among the groups gnomAD compares: Non-Finnish European, 0.00042%; no homozygotes.

Submissions (2):

Labcorp Genetics (formerly Invitae), Labcorp
Classification: Likely benign for RYR1-related disorder. Last evaluated: 2024-01-24. Review status: criteria provided, single submitter. Criteria: Invitae Variant Classification Sherloc (09022015). Collection method: clinical testing. Allele origin: germline.

All of Us Research Program, National Institutes of Health
Classification: Likely benign for Malignant hyperthermia, susceptibility to, 1. Last evaluated: 2023-08-15. Review status: criteria provided, single submitter. Criteria: ACMG Guidelines, 2015. Collection method: clinical testing. Allele origin: germline. Inheritance: Autosomal dominant inheritance. Observed: 1 variant allele, 1 heterozygote.
Comment: This study involves interpretation of variants in research participants for the purpose of population health screening. Participant phenotype was not available at the time of variant classification. Additional details can be found in publication PMID: 35346344, PMCID: PMC8962531

NM_000540.3(RYR1):c.12555G>A (p.Ala4185=)

Gene: RYR1 (ryanodine receptor 1; plus strand). Cytogenetic location: 19q13.2.
Variant type: single nucleotide variant.
Coding change: c.12555G>A on transcript NM_000540.3 (MANE Select); coding-DNA position 12555, G replaced by A.
Protein change: p.Ala4185=; no amino-acid change (alanine 4185 retained).
Molecular consequence: synonymous variant.
Genome position (GRCh38, 1-based): chr19:38,561,385, G>A. VCF-style: chr19-38561385-G-A. GRCh37 (hg19) VCF-style: chr19-39052025-G-A.
Other names: c.12540G>A, p.Ala4180= (NM_001042723.2).
Identifiers: ClinVar variation 1556998 (VCV001556998.9), dbSNP rs1442355076, ClinGen allele CA507355355.